The following is an entry in ClinVar:

NM_000392.5(ABCC2):c.2095-1G>A

Gene: ABCC2 (ATP binding cassette subfamily C member 2; plus strand). Cytogenetic location: 10q24.2.
Variant type: single nucleotide variant.
Coding change: c.2095-1G>A on transcript NM_000392.5 (MANE Select); the canonical splice acceptor site of the intron before coding-DNA position 2095, G replaced by A.
Molecular consequence: splice acceptor variant.
Genome position (GRCh38, 1-based): chr10:99,817,307, G>A. VCF-style: chr10-99817307-G-A. GRCh37 (hg19) VCF-style: chr10-101577064-G-A.
Identifiers: ClinVar variation 2968855 (VCV002968855.4), dbSNP rs1220159784, ClinGen allele CA378116289.

ClinVar aggregate classification (germline): Likely pathogenic (1 of 4 stars; one submission).

Allele frequency attached by ClinVar (database versions not stated): gnomAD exomes below 0.00001.
gnomAD v4.1: 2 of 1,614,014 alleles (0.00012%); highest among the groups gnomAD compares: Non-Finnish European, 0.00017%; no homozygotes.

Submission:

Labcorp Genetics (formerly Invitae), Labcorp
Classification: Likely pathogenic. Last evaluated: 2023-10-17. Review status: criteria provided, single submitter. Criteria: Invitae Variant Classification Sherloc (09022015). Collection method: clinical testing. Allele origin: germline.
Comment: This sequence change affects an acceptor splice site in intron 16 of the ABCC2 gene. It is expected to disrupt RNA splicing. Variants that disrupt the donor or acceptor splice site typically lead to a loss of protein function (PMID: 16199547), and loss-of-function variants in ABCC2 are known to be pathogenic (PMID: 9185779, 16549534, 16952291). This variant is not present in population databases (gnomAD no frequency). This variant has not been reported in the literature in individuals affected with ABCC2-related conditions. Algorithms developed to predict the effect of sequence changes on RNA splicing suggest that this variant may disrupt the consensus splice site. In summary, the currently available evidence indicates that the variant is pathogenic, but additional data are needed to prove that conclusively. Therefore, this variant has been classified as Likely Pathogenic.

Literature cited by the submitters: PubMed 16199547; PubMed 9185779; PubMed 16549534; PubMed 16952291.